The following is an entry in ClinVar:

NM_004656.4(BAP1):c.59_67+1del

Gene: BAP1 (BRCA1 associated deubiquitinase 1; minus strand). Cytogenetic location: 3p21.1.
Variant type: Deletion.
Coding change: c.59_67+1del on transcript NM_004656.4 (MANE Select); coding-DNA position 59 through the canonical splice donor site of the intron after coding-DNA position 67, 10 bases deleted (AAGATTTCGG; older notation c.59_67+1delAAGATTTCGG).
Molecular consequence: splice donor variant.
Genome position (GRCh38, 1-based): chr3:52,409,713-52,409,722, CCGAAATCTT deleted on the plus strand (AAGATTTCGG on the coding strand, the reverse complement: BAP1 is on the minus strand); deleting any 10 consecutive bases within chr3:52,409,713-52,409,724 gives the same sequence; the c. name uses the placement nearest the transcript's 3' end. VCF-style (leftmost placement, unchanged base first): chr3-52409712-ACCGAAATCTT-A. GRCh37 (hg19) VCF-style: chr3-52443728-ACCGAAATCTT-A.
Identifiers: ClinVar variation 1750406 (VCV001750406.2), dbSNP rs2471365846, ClinGen allele CA2580070324.
Genomic context (GRCh38, chr3:52,409,712, plus strand): 5'-TGAGTGAGGGCGCAGGGGTGGGCCGCCACAGCCCCGGTCCGGCAGGGAGAAAAGGCTCTT[ACCGAAATCTT>A]CCACGAGCAGGGTGAAGAGGCCTGGGTGGGGCGACAAGAGGAGGGGGTGATGGTCAGGCA-3'

ClinVar aggregate classification (germline): Likely pathogenic (1 of 4 stars; one submission).

Conditions:
Hereditary cancer-predisposing syndrome. Also called: Hereditary Cancer Syndrome; Hereditary neoplastic syndrome; Neoplastic Syndromes, Hereditary; Tumor predisposition. Identifiers: Orphanet 140162, MedGen C0027672, MeSH D009386, MONDO:0015356.

Submission:

Ambry Genetics
Classification: Likely pathogenic for Hereditary cancer-predisposing syndrome. Last evaluated: 2020-04-03. Review status: criteria provided, single submitter. Criteria: Ambry Variant Classification Scheme 2023. Collection method: clinical testing. Allele origin: germline.
Comment: The c.59_67+1del10 intronic variant, results from a deletion of 10 nucleotides between positions 59 and 67+1, which involves the canonical splice site after coding exon 2 of the BAP1 gene. This alteration has been observed in at least one individual who has a personal or family history that is consistent with BAP1-associated disease (Ambry internal data). Using the BDGP and ESEfinder splice site prediction tools, the strength of the native donor splice site is maintained, but shifted downstream ten nucleotides resulting in a translational frameshift with a predicted alternate stop codon; however, direct evidence is unavailable. Alterations that disrupt the canonical splice site are expected to cause aberrant splicing, resulting in an abnormal protein or a transcript that is subject to nonsense-mediated mRNA decay. As such, this alteration is classified as likely pathogenic.